The following is an entry in ClinVar:

ClinVar aggregate classification (germline): Uncertain significance (0 of 4 stars; one submission).

Conditions:
RAD21-related disorder. Also called: RAD21-related condition; RAD21- Related disorders.

gnomAD v4.1: 3 of 1,540,918 alleles (0.00019%); highest among the groups gnomAD compares: East Asian, 0.0024%; no homozygotes.

Submission:

PreventionGenetics, part of Exact Sciences
Classification: Uncertain significance for RAD21-related condition. Last evaluated: 2024-03-28. Review status: no assertion criteria provided. Collection method: clinical testing. Allele origin: germline.
Comment: The RAD21 c.712G>A variant is predicted to result in the amino acid substitution p.Asp238Asn. To our knowledge, this variant has not been reported in the literature. This variant is reported in 0.0041% of alleles in individuals of South Asian descent in gnomAD. At this time, the clinical significance of this variant is uncertain due to the absence of conclusive functional and genetic evidence.

NM_006265.3(RAD21):c.712G>A (p.Asp238Asn)

Gene: RAD21 (RAD21 cohesin complex component; minus strand). Cytogenetic location: 8q24.11.
Variant type: single nucleotide variant.
Coding change: c.712G>A on transcript NM_006265.3 (MANE Select); coding-DNA position 712, G replaced by A.
Protein change: p.Asp238Asn; replaces aspartic acid 238 with asparagine.
Molecular consequence: missense variant.
Genome position (GRCh38, 1-based): chr8:116,856,748, C>T on the plus strand (G>A on the coding strand, the complement: RAD21 is on the minus strand). VCF-style: chr8-116856748-C-T. GRCh37 (hg19) VCF-style: chr8-117868987-C-T.
Other names: short protein forms D238N.
Identifiers: ClinVar variation 3349405 (VCV003349405.1).